The following is an entry in ClinVar:

ClinVar aggregate classification (germline): Conflicting classifications of pathogenicity. Review status: criteria provided, conflicting classifications (1 of 4 stars). 3 submissions from 3 submitters: Likely pathogenic (1); Uncertain significance (1). 1 of the submissions does not count toward it. Last evaluated 2023-11-14.

Conditions:
Platelet-type bleeding disorder 15 (BDPLT15). Also called: MACROTHROMBOCYTOPENIA, AUTOSOMAL DOMINANT, ACTN1-RELATED. Identifiers: Orphanet 140957, MedGen C3554663, MONDO:0014078, OMIM 615193.
ACTN1-related disorder. Also called: ACTN1-related condition.
Macrothrombocytopenia. Identifiers: MedGen C2751260, HP:0040185.

Submissions (3):

Blueprint Genetics
Classification: Likely pathogenic for ACTN1-related disorders. Last evaluated: 2023-11-14. Review status: criteria provided, single submitter. Criteria: ACMG Guidelines, 2015. Collection method: clinical testing. Allele origin: germline. Affected: yes. Observed: 4 variant alleles.

NIHR Bioresource Rare Diseases, University of Cambridge
Classification: Uncertain significance for Macrothrombocytopenia. Last evaluated: 2019-02-01. Review status: criteria provided, single submitter. Criteria: ACMG Guidelines, 2015. Collection method: research. Allele origin: unknown. Affected: yes. Observed: 1 heterozygote. Study: ThromboGenomics.

ISTH-SSC Genomics in Thrombosis and Hemostasis, KU Leuven, Center for Molecular and Vascular Biology
Classification: Uncertain significance for Platelet-type bleeding disorder 15. Review status: no assertion criteria provided. Collection method: clinical testing. Allele origin: unknown. Affected: yes. Not counted in ClinVar's aggregate classification.
Comment: Submitted to GoldVariant by Bilal Jradeh from Katharine Dormandy Haemophilia and Thrombosis Centre, Royal Free Hospital, London, UK

Literature cited by the submitters: PubMed 31064749 (cited by NIHR Bioresource Rare Diseases, University of Cambridge).

NM_001130004.2(ACTN1):c.2209A>G (p.Thr737Ala)

Gene: ACTN1 (actinin alpha 1; minus strand). Cytogenetic location: 14q24.1.
Variant type: single nucleotide variant.
Coding change: c.2209A>G on transcript NM_001130004.2 (MANE Select); coding-DNA position 2209, A replaced by G.
Protein change: p.Thr737Ala; replaces threonine 737 with alanine.
Molecular consequence: missense variant.
Genome position (GRCh38, 1-based): chr14:68,880,033, T>C on the plus strand (A>G on the coding strand, the complement: ACTN1 is on the minus strand). VCF-style: chr14-68880033-T-C. GRCh37 (hg19) VCF-style: chr14-69346750-T-C.
Other names: c.2209A>G, p.Thr737Ala (NM_001102.4, NM_001130005.2); short protein forms T737A.
Identifiers: ClinVar variation 627277 (VCV000627277.4), dbSNP rs1594751712, ClinGen allele CA390181682.